The following is an entry in ClinVar:

NM_057176.3(BSND):c.456C>T (p.Gly152=)

Gene: BSND (barttin CLCNK type accessory subunit beta; plus strand). Cytogenetic location: 1p32.3.
Variant type: single nucleotide variant.
Coding change: c.456C>T on transcript NM_057176.3 (MANE Select); coding-DNA position 456, C replaced by T.
Protein change: p.Gly152=; no amino-acid change (glycine 152 retained).
Molecular consequence: synonymous variant.
Genome position (GRCh38, 1-based): chr1:55,007,180, C>T. VCF-style: chr1-55007180-C-T. GRCh37 (hg19) VCF-style: chr1-55472853-C-T.
Identifiers: ClinVar variation 4982769 (VCV004982769.1).
Genomic context (GRCh38, chr1:55,007,180, plus strand): 5'-GGCCCCTGAGATGGGGCAGCCGAAGCTGGGAACCAGTGATGGAGGAGAAGGTGGCCCTGG[C>T]GACGTTCAGGCCTGGATGGAGGCTGCCGTGGTCATCCACAAGGGCTCAGACGAGAGTGAA-3'
Protein context (NP_476517.1, residues 142-162): GTSDGGEGGP[Gly152=]DVQAWMEAAV

ClinVar aggregate classification (germline): Likely benign (1 of 4 stars; one submission).

Conditions:
BSND-related disorder. Also called: BSND-related condition.

gnomAD v4.1: 38 of 1,614,176 alleles (0.0024%); highest among the groups gnomAD compares: Non-Finnish European, 0.0028%; no homozygotes.

Submission:

PreventionGenetics, part of Exact Sciences
Classification: Likely benign for BSND-related condition. Last evaluated: 2025-11-11. Review status: criteria provided, single submitter. Criteria: ACMG Guidelines, 2015. Collection method: clinical testing. Allele origin: germline.
Comment: This variant is classified as likely benign based on ACMG/AMP sequence variant interpretation guidelines (Richards et al. 2015 PMID: 25741868, with internal and published modifications).